The following is an entry in ClinVar:

ClinVar aggregate classification (germline): Uncertain significance. Review status: criteria provided, multiple submitters, no conflicts (2 of 4 stars). 5 submissions from 5 submitters: Uncertain significance (5). Last evaluated 2025-06-12.

Conditions:
Inborn genetic diseases. Identifiers: MedGen C0950123, MeSH D030342.
Multiple sulfatase deficiency (MSD). Also called: Multiple Sulfatase Deficiency Disease; Sulfatidosis, Juvenile, Austin Type; Mucosulfatidosis. Identifiers: Orphanet 585, MedGen C0268263, MONDO:0010088, OMIM 272200.

Allele frequency attached by ClinVar (database versions not stated): gnomAD exomes 0.00001; ExAC 0.00002; gnomAD 0.00006 and 0.00007; TOPMed 0.00007; 1000 Genomes Project 30x 0.00016; 1000 Genomes Project 0.00020.
gnomAD v4.1: 13 of 1,614,024 alleles (0.00081%); highest among the groups gnomAD compares: African/African-American, 0.016%; no homozygotes.

Submissions (5):

Ambry Genetics
Classification: Uncertain significance for Inborn genetic diseases. Last evaluated: 2025-06-12. Review status: criteria provided, single submitter. Criteria: Ambry Variant Classification Scheme 2023. Collection method: clinical testing. Allele origin: germline.

Mayo Clinic Laboratories, Mayo Clinic
Classification: Uncertain significance. Last evaluated: 2024-07-09. Review status: criteria provided, single submitter. Criteria: ACMG Guidelines, 2015. Collection method: clinical testing. Allele origin: germline. Observed: 1 variant allele.

Blueprint Genetics
Classification: Uncertain significance. Last evaluated: 2024-02-28. Review status: criteria provided, single submitter. Criteria: ACMG Guidelines, 2015. Collection method: clinical testing. Allele origin: germline.

Labcorp Genetics (formerly Invitae), Labcorp
Classification: Uncertain significance for Multiple sulfatase deficiency. Last evaluated: 2022-07-12. Review status: criteria provided, single submitter. Criteria: Invitae Variant Classification Sherloc (09022015). Collection method: clinical testing. Allele origin: germline.
Comment: This sequence change replaces serine, which is neutral and polar, with phenylalanine, which is neutral and non-polar, at codon 311 of the SUMF1 protein (p.Ser311Phe). This variant is present in population databases (rs552583949, gnomAD 0.02%). This variant has not been reported in the literature in individuals affected with SUMF1-related conditions. ClinVar contains an entry for this variant (Variation ID: 902186). Algorithms developed to predict the effect of missense changes on protein structure and function are either unavailable or do not agree on the potential impact of this missense change (SIFT: "Deleterious"; PolyPhen-2: "Possibly Damaging"; Align-GVGD: "Class C0"). In summary, the available evidence is currently insufficient to determine the role of this variant in disease. Therefore, it has been classified as a Variant of Uncertain Significance.

Illumina Laboratory Services, Illumina
Classification: Uncertain significance for Multiple sulfatase deficiency. Last evaluated: 2018-01-13. Review status: criteria provided, single submitter. Criteria: ICSL Variant Classification Criteria 13 December 2019. Collection method: clinical testing. Allele origin: germline.

NM_182760.4(SUMF1):c.932C>T (p.Ser311Phe)

Gene: SUMF1 (sulfatase modifying factor 1; minus strand). Cytogenetic location: 3p26.1.
Variant type: single nucleotide variant.
Coding change: c.932C>T on transcript NM_182760.4 (MANE Select); coding-DNA position 932, C replaced by T.
Protein change: p.Ser311Phe; replaces serine 311 with phenylalanine.
Molecular consequence: missense variant.
Genome position (GRCh38, 1-based): chr3:4,410,887, G>A on the plus strand (C>T on the coding strand, the complement: SUMF1 is on the minus strand). VCF-style: chr3-4410887-G-A. GRCh37 (hg19) VCF-style: chr3-4452571-G-A.
Other names: p.Ser311Phe; c.857C>T, p.Ser286Phe (NM_001164674.2); c.932C>T, p.Ser311Phe (NM_001164675.2); short protein forms S311F, S286F.
Identifiers: ClinVar variation 902186 (VCV000902186.8), dbSNP rs552583949, ClinGen allele CA2230400.